The following is an entry in ClinVar:

ClinVar aggregate classification (germline): Uncertain significance (1 of 4 stars; one submission).

Conditions:
Lysinuric protein intolerance (LPI). Identifiers: Orphanet 470, MedGen C0268647, MONDO:0009109, OMIM 222700.

Submission:

Labcorp Genetics (formerly Invitae), Labcorp
Classification: Uncertain significance for Lysinuric protein intolerance. Last evaluated: 2021-11-30. Review status: criteria provided, single submitter. Criteria: Invitae Variant Classification Sherloc (09022015). Collection method: clinical testing. Allele origin: germline.
Comment: This sequence change replaces isoleucine, which is neutral and non-polar, with lysine, which is basic and polar, at codon 304 of the SLC7A7 protein (p.Ile304Lys). This variant is not present in population databases (gnomAD no frequency). This variant has not been reported in the literature in individuals affected with SLC7A7-related conditions. Algorithms developed to predict the effect of missense changes on protein structure and function are either unavailable or do not agree on the potential impact of this missense change (SIFT: "Deleterious"; PolyPhen-2: "Benign"; Align-GVGD: "Class C35"). In summary, the available evidence is currently insufficient to determine the role of this variant in disease. Therefore, it has been classified as a Variant of Uncertain Significance.

NM_003982.4(SLC7A7):c.911T>A (p.Ile304Lys)

Gene: SLC7A7 (solute carrier family 7 member 7; minus strand). Cytogenetic location: 14q11.2.
Variant type: single nucleotide variant.
Coding change: c.911T>A on transcript NM_003982.4 (MANE Select); coding-DNA position 911, T replaced by A.
Protein change: p.Ile304Lys; replaces isoleucine 304 with lysine.
Molecular consequence: missense variant.
Genome position (GRCh38, 1-based): chr14:22,775,920, A>T on the plus strand (T>A on the coding strand, the complement: SLC7A7 is on the minus strand). VCF-style: chr14-22775920-A-T. GRCh37 (hg19) VCF-style: chr14-23245129-A-T.
Other names: c.911T>A, p.Ile304Lys (NM_001126105.3, NM_001126106.4); short protein forms I304K.
Identifiers: ClinVar variation 1395901 (VCV001395901.3), dbSNP rs1277218486, ClinGen allele CA388923422.